The following is an entry in ClinVar:

NM_000179.3(MSH6):c.3170T>G (p.Leu1057Trp)

Gene: MSH6 (mutS homolog 6; plus strand). Cytogenetic location: 2p16.3.
Variant type: single nucleotide variant.
Coding change: c.3170T>G on transcript NM_000179.3 (MANE Select); coding-DNA position 3170, T replaced by G.
Protein change: p.Leu1057Trp; replaces leucine 1057 with tryptophan.
Molecular consequence: missense variant.
Genome position (GRCh38, 1-based): chr2:47,801,153, T>G. VCF-style: chr2-47801153-T-G. GRCh37 (hg19) VCF-style: chr2-48028292-T-G.
Other names: c.2780T>G, p.Leu927Trp (NM_001281492.2); c.2264T>G, p.Leu755Trp (NM_001281493.2, NM_001281494.2); short protein forms L1057W, L755W, L927W.
Identifiers: ClinVar variation 1017174 (VCV001017174.9), dbSNP rs778741297, ClinGen allele CA346756747.

ClinVar aggregate classification (germline): Uncertain significance (1 of 4 stars; one submission).

Conditions:
Hereditary nonpolyposis colorectal neoplasms. Identifiers: MedGen C0009405, MeSH D003123.

Submission:

Labcorp Genetics (formerly Invitae), Labcorp
Classification: Uncertain significance for Hereditary nonpolyposis colorectal neoplasms. Last evaluated: 2020-07-19. Review status: criteria provided, single submitter. Criteria: Invitae Variant Classification Sherloc (09022015). Collection method: clinical testing. Allele origin: germline.
Comment: In summary, the available evidence is currently insufficient to determine the role of this variant in disease. Therefore, it has been classified as a Variant of Uncertain Significance. Algorithms developed to predict the effect of missense changes on protein structure and function are either unavailable or do not agree on the potential impact of this missense change (SIFT: "Deleterious"; PolyPhen-2: "Possibly Damaging"; Align-GVGD: "Class C15"). This variant has not been reported in the literature in individuals with MSH6-related conditions. This variant is not present in population databases (ExAC no frequency). This sequence change replaces leucine with tryptophan at codon 1057 of the MSH6 protein (p.Leu1057Trp). The leucine residue is highly conserved and there is a small physicochemical difference between leucine and tryptophan.